The following is an entry in ClinVar:

ClinVar aggregate classification (germline): Uncertain significance (1 of 4 stars; one submission).

Conditions:
Glycogen storage disease XV (GSD15). Also called: GLYCOGENIN DEFICIENCY; GSD XV. Identifiers: Orphanet 263297, MedGen C3150754, MONDO:0013291, OMIM 613507.
Polyglucosan body myopathy type 2. Identifiers: Orphanet 456369, MedGen C4015452, MONDO:0014526, OMIM 616199.

Submission:

Labcorp Genetics (formerly Invitae), Labcorp
Classification: Uncertain significance for Polyglucosan body myopathy type 2; Glycogen storage disease XV. Last evaluated: 2021-03-26. Review status: criteria provided, single submitter. Criteria: Invitae Variant Classification Sherloc (09022015). Collection method: clinical testing. Allele origin: germline.
Comment: In summary, the available evidence is currently insufficient to determine the role of this variant in disease. Therefore, it has been classified as a Variant of Uncertain Significance. Algorithms developed to predict the effect of missense changes on protein structure and function output the following: SIFT: "Tolerated"; PolyPhen-2: "Benign"; Align-GVGD: "Class C0". The glutamic acid amino acid residue is found in multiple mammalian species, suggesting that this missense change does not adversely affect protein function. These predictions have not been confirmed by published functional studies and their clinical significance is uncertain. This variant has not been reported in the literature in individuals with GYG1-related conditions. This variant is not present in population databases (ExAC no frequency). This sequence change replaces aspartic acid with glutamic acid at codon 113 of the GYG1 protein (p.Asp113Glu). The aspartic acid residue is moderately conserved and there is a small physicochemical difference between aspartic acid and glutamic acid.

NM_004130.4(GYG1):c.339T>A (p.Asp113Glu)

Gene: GYG1 (glycogenin 1; plus strand). Cytogenetic location: 3q24.
Variant type: single nucleotide variant.
Coding change: c.339T>A on transcript NM_004130.4 (MANE Select); coding-DNA position 339, T replaced by A.
Protein change: p.Asp113Glu; replaces aspartic acid 113 with glutamic acid.
Molecular consequence: missense variant.
Genome position (GRCh38, 1-based): chr3:148,996,762, T>A. VCF-style: chr3-148996762-T-A. GRCh37 (hg19) VCF-style: chr3-148714549-T-A.
Other names: c.339T>A, p.Asp113Glu (NM_001184721.2, NM_001184720.2); short protein forms D113E.
Identifiers: ClinVar variation 1427841 (VCV001427841.8), dbSNP rs781200988, ClinGen allele CA354903126.